The following is an entry in ClinVar:

NM_004304.5(ALK):c.787+4A>C

Gene: ALK (ALK receptor tyrosine kinase; minus strand). Cytogenetic location: 2p23.2.
Variant type: single nucleotide variant.
Coding change: c.787+4A>C on transcript NM_004304.5 (MANE Select); 4 bases into the intron after coding-DNA position 787, A replaced by C.
Molecular consequence: intron variant.
Genome position (GRCh38, 1-based): chr2:29,717,574, T>G on the plus strand (A>C on the coding strand, the complement: ALK is on the minus strand). VCF-style: chr2-29717574-T-G. GRCh37 (hg19) VCF-style: chr2-29940440-T-G.
Identifiers: ClinVar variation 958140 (VCV000958140.7), dbSNP rs377100808, ClinGen allele CA1139656844.

ClinVar aggregate classification (germline): Uncertain significance (1 of 4 stars; one submission).

Conditions:
Neuroblastoma, susceptibility to, 3. Also called: ALK-Related Neuroblastic Tumor Susceptibility. Identifiers: Orphanet 635, MedGen C2751681, MONDO:0013083, OMIM 613014.

Allele frequency attached by ClinVar (database versions not stated): gnomAD exomes below 0.00001.
gnomAD v4.1: 1 of 1,613,976 alleles (0.000062%); highest among the groups gnomAD compares: Admixed American, 0.0017%; no homozygotes.

Submission:

Labcorp Genetics (formerly Invitae), Labcorp
Classification: Uncertain significance for Neuroblastoma, susceptibility to, 3. Last evaluated: 2022-08-22. Review status: criteria provided, single submitter. Criteria: Invitae Variant Classification Sherloc (09022015). Collection method: clinical testing. Allele origin: germline.
Comment: In summary, the available evidence is currently insufficient to determine the role of this variant in disease. Therefore, it has been classified as a Variant of Uncertain Significance. Variants that disrupt the consensus splice site are a relatively common cause of aberrant splicing (PMID: 17576681, 9536098). Algorithms developed to predict the effect of sequence changes on RNA splicing suggest that this variant is not likely to affect RNA splicing. ClinVar contains an entry for this variant (Variation ID: 958140). This variant has not been reported in the literature in individuals affected with ALK-related conditions. This variant is not present in population databases (gnomAD no frequency). This sequence change falls in intron 2 of the ALK gene. It does not directly change the encoded amino acid sequence of the ALK protein. It affects a nucleotide within the consensus splice site.

Literature cited by the submitters: PubMed 17576681; PubMed 9536098.